The following is an entry in ClinVar:

NM_001105206.3(LAMA4):c.4067G>C (p.Gly1356Ala)

Gene: LAMA4 (laminin subunit alpha 4; minus strand). Cytogenetic location: 6q21.
Variant type: single nucleotide variant.
Coding change: c.4067G>C on transcript NM_001105206.3 (MANE Select); coding-DNA position 4067, G replaced by C.
Protein change: p.Gly1356Ala; replaces glycine 1356 with alanine.
Molecular consequence: missense variant.
Genome position (GRCh38, 1-based): chr6:112,129,942, C>G on the plus strand (G>C on the coding strand, the complement: LAMA4 is on the minus strand). VCF-style: chr6-112129942-C-G. GRCh37 (hg19) VCF-style: chr6-112451144-C-G.
Other names: c.4046G>C, p.Gly1349Ala (NM_001105207.3, NM_002290.5); short protein forms G1349A, G1356A.
Identifiers: ClinVar variation 1035168 (VCV001035168.10), dbSNP rs1778928279, ClinGen allele CA365373458.

ClinVar aggregate classification (germline): Uncertain significance (1 of 4 stars; one submission).

Conditions:
Dilated cardiomyopathy 1JJ (CMD1JJ). Identifiers: Orphanet 154, MedGen C3808935, MONDO:0014095, OMIM 615235.

Allele frequency attached by ClinVar (database versions not stated): gnomAD exomes below 0.00001.
gnomAD v4.1: 1 of 1,613,028 alleles (0.000062%); highest among the groups gnomAD compares: African/African-American, 0.0013%; no homozygotes.

Submission:

Labcorp Genetics (formerly Invitae), Labcorp
Classification: Uncertain significance for Dilated cardiomyopathy 1JJ. Last evaluated: 2022-03-23. Review status: criteria provided, single submitter. Criteria: Invitae Variant Classification Sherloc (09022015). Collection method: clinical testing. Allele origin: germline.
Comment: In summary, the available evidence is currently insufficient to determine the role of this variant in disease. Therefore, it has been classified as a Variant of Uncertain Significance. Algorithms developed to predict the effect of missense changes on protein structure and function (SIFT, PolyPhen-2, Align-GVGD) all suggest that this variant is likely to be disruptive. ClinVar contains an entry for this variant (Variation ID: 1035168). This variant has not been reported in the literature in individuals affected with LAMA4-related conditions. This variant is not present in population databases (gnomAD no frequency). This sequence change replaces glycine, which is neutral and non-polar, with alanine, which is neutral and non-polar, at codon 1349 of the LAMA4 protein (p.Gly1349Ala).